The following is an entry in ClinVar:

NM_025179.4(PLXNA2):c.2047C>T (p.His683Tyr)

Gene: PLXNA2 (plexin A2; minus strand). Cytogenetic location: 1q32.2.
Variant type: single nucleotide variant.
Coding change: c.2047C>T on transcript NM_025179.4 (MANE Select); coding-DNA position 2047, C replaced by T.
Protein change: p.His683Tyr; replaces histidine 683 with tyrosine.
Molecular consequence: missense variant.
Genome position (GRCh38, 1-based): chr1:208,092,836, G>A on the plus strand (C>T on the coding strand, the complement: PLXNA2 is on the minus strand). VCF-style: chr1-208092836-G-A. GRCh37 (hg19) VCF-style: chr1-208266181-G-A.
Other names: short protein forms H683Y.
Identifiers: ClinVar variation 2164053 (VCV002164053.4), dbSNP rs187454222, ClinGen allele CA36705717.

ClinVar aggregate classification (germline): Uncertain significance (1 of 4 stars; one submission).

Submission:

Labcorp Genetics (formerly Invitae), Labcorp
Classification: Uncertain significance. Last evaluated: 2022-10-14. Review status: criteria provided, single submitter. Criteria: Invitae Variant Classification Sherloc (09022015). Collection method: clinical testing. Allele origin: germline.
Comment: Advanced modeling of protein sequence and biophysical properties (such as structural, functional, and spatial information, amino acid conservation, physicochemical variation, residue mobility, and thermodynamic stability) performed at Invitae indicates that this missense variant is not expected to disrupt PLXNA2 protein function. In summary, the available evidence is currently insufficient to determine the role of this variant in disease. Therefore, it has been classified as a Variant of Uncertain Significance. This variant has not been reported in the literature in individuals affected with PLXNA2-related conditions. This variant is not present in population databases (gnomAD no frequency). This sequence change replaces histidine, which is basic and polar, with tyrosine, which is neutral and polar, at codon 683 of the PLXNA2 protein (p.His683Tyr).